The following is an entry in ClinVar:

NM_001367624.2(ZNF469):c.2972_2973delinsGT (p.Pro991Arg)

Gene: ZNF469 (zinc finger protein 469; plus strand). Cytogenetic location: 16q24.2.
Variant type: Indel.
Coding change: c.2972_2973delinsGT on transcript NM_001367624.2 (MANE Select); coding-DNA positions 2972 to 2973, CA replaced by GT.
Protein change: p.Pro991Arg; replaces proline 991 with arginine.
Molecular consequence: missense variant.
Genome position (GRCh38, 1-based): chr16:88,430,442-88,430,443, CA replaced by GT. VCF-style: chr16-88430442-CA-GT. GRCh37 (hg19) VCF-style: chr16-88496850-CA-GT.
Other names: NM_001127464.1:c.2972_2973delCAinsGT; short protein forms P991R.
Identifiers: ClinVar variation 1798295 (VCV001798295.2), dbSNP rs2507581172, ClinGen allele CA2580092200.
Genomic context (GRCh38, chr16:88,430,442, plus strand): 5'-GCGGCGGCAGAGCCTCCGGCCTGAGGCCCCGGAGGAACGACGGTCTCGGGGAGCGGCCCC[CA>GT]CCCCGTCCCCGGCGCCCTAGAACGCAGGCCCCCGGGAGCCGCGCAGACCCCGCGCCCCGG-3'
Protein context (NP_001354553.1, residues 981-1001): RRNDGLGERP[Pro991Arg]PRPRRPRTQA

ClinVar aggregate classification (germline): Uncertain significance (1 of 4 stars; one submission).

Conditions:
Cardiovascular phenotype. Identifiers: MedGen CN230736.

Submission:

Ambry Genetics
Classification: Uncertain significance for Cardiovascular phenotype. Last evaluated: 2019-02-26. Review status: criteria provided, single submitter. Criteria: Ambry Variant Classification Scheme 2023. Collection method: clinical testing. Allele origin: germline.
Comment: The c.2972_2973delCAinsGT variant (also known as p.P991R), located in coding exon 1 of the ZNF469 gene, results from an in-frame deletion of CA and insertion of GT at nucleotide positions 2972 to 2973. This results in the substitution of the proline residue for an arginine residue at codon 991, an amino acid with dissimilar properties. This amino acid position is not well conserved in available vertebrate species, and arginine is the reference amino acid in other vertebrate species. Since supporting evidence is limited at this time, the clinical significance of this alteration remains unclear.